The following is an entry in ClinVar:

NM_004380.3(CREBBP):c.964G>A (p.Val322Met)

Gene: CREBBP (CREB binding lysine acetyltransferase; minus strand). Cytogenetic location: 16p13.3.
Variant type: single nucleotide variant.
Coding change: c.964G>A on transcript NM_004380.3 (MANE Select); coding-DNA position 964, G replaced by A.
Protein change: p.Val322Met; replaces valine 322 with methionine.
Molecular consequence: missense variant.
Genome position (GRCh38, 1-based): chr16:3,810,614, C>T on the plus strand (G>A on the coding strand, the complement: CREBBP is on the minus strand). VCF-style: chr16-3810614-C-T. GRCh37 (hg19) VCF-style: chr16-3860615-C-T.
Other names: c.964G>A, p.Val322Met (NM_001079846.1); short protein forms V322M.
Identifiers: ClinVar variation 2210594 (VCV002210594.8), dbSNP rs587778212, ClinGen allele CA277007739.

ClinVar aggregate classification (germline): Conflicting classifications of pathogenicity. Review status: criteria provided, conflicting classifications (1 of 4 stars). 5 submissions from 5 submitters: Uncertain significance (3); Likely benign (1). 1 of the submissions does not count toward it. Last evaluated 2025-09-03.

Conditions:
CREBBP-related disorder. Also called: CREBBP-related condition; CREBBP-related disorders.
Rubinstein-Taybi syndrome (RSTS). Identifiers: Orphanet 783, MedGen C0035934, MONDO:0019188.
Rubinstein-Taybi syndrome due to CREBBP mutations (RSTS1). Also called: RUBINSTEIN SYNDROME; RUBINSTEIN-TAYBI SYNDROME 1, INCOMPLETE; BROAD THUMB-HALLUX SYNDROME; BROAD THUMBS AND GREAT TOES, CHARACTERISTIC FACIES, AND IMPAIRED INTELLECTUAL DEVELOPMENT; Rubinstein-Taybi syndrome 1; CREBBP-Related Rubinstein-Taybi Syndrome. Identifiers: Orphanet 353277, Orphanet 783, MedGen C4551859, MONDO:0008393, OMIM 180849.
Menke-Hennekam syndrome 1 (MKHK1). Identifiers: MedGen C5193034, MONDO:0020763, OMIM 618332.
Inborn genetic diseases. Identifiers: MedGen C0950123, MeSH D030342.

Allele frequency attached by ClinVar (database versions not stated): gnomAD exomes 0.00001; gnomAD 0.00004; TOPMed 0.00010.
gnomAD v4.1: 27 of 1,613,472 alleles (0.0017%); highest among the groups gnomAD compares: Admixed American, 0.01%; no homozygotes.

Submissions (5):

Women's Health and Genetics/Laboratory Corporation of America, LabCorp
Classification: Uncertain significance. Last evaluated: 2025-09-03. Review status: criteria provided, single submitter. Criteria: LabCorp Variant Classification Summary - May 2015. Collection method: clinical testing. Allele origin: germline.
Comment: Variant summary: CREBBP c.964G>A (p.Val322Met) results in a conservative amino acid change in the encoded protein sequence. Algorithms developed to predict the effect of missense changes on protein structure and function are either unavailable or do not agree on the potential impact of this missense change. The variant allele was found at a frequency of 4e-06 in 251464 control chromosomes in the gnomAD v2 database, and it was found as 27 heterozygotes in the gnomAD v4 database. c.964G>A has been observed in one individual affected with Micropenis, without strong evidence for causality (Chen_2024). These report(s) do not provide unequivocal conclusions about association of the variant with Rubinstein-Taybi Syndrome. To our knowledge, no experimental evidence demonstrating an impact on protein function has been reported. The following publication has been ascertained in the context of this evaluation (PMID: 39285472). ClinVar contains an entry for this variant (Variation ID: 2210594). Based on the evidence outlined above, the variant was classified as VUS-possibly benign.

Labcorp Genetics (formerly Invitae), Labcorp
Classification: Likely benign for Rubinstein-Taybi syndrome. Last evaluated: 2025-08-30. Review status: criteria provided, single submitter. Criteria: Invitae Variant Classification Sherloc (09022015). Collection method: clinical testing. Allele origin: germline.

Fulgent Genetics
Classification: Uncertain significance for Rubinstein-Taybi syndrome due to CREBBP mutations; Menke-Hennekam syndrome 1. Last evaluated: 2024-04-05. Review status: criteria provided, single submitter. Criteria: ACMG Guidelines, 2015. Collection method: clinical testing. Allele origin: germline.

Ambry Genetics
Classification: Uncertain significance for Inborn genetic diseases. Last evaluated: 2022-09-06. Review status: criteria provided, single submitter. Criteria: Ambry Variant Classification Scheme 2023. Collection method: clinical testing. Allele origin: germline.

PreventionGenetics, part of Exact Sciences
Classification: Uncertain significance for CREBBP-related condition. Last evaluated: 2024-04-08. Review status: no assertion criteria provided. Collection method: clinical testing. Allele origin: germline. Not counted in ClinVar's aggregate classification.
Comment: The CREBBP c.964G>A variant is predicted to result in the amino acid substitution p.Val322Met. To our knowledge, this variant has not been reported in the literature. This variant is reported in 0.00088% of alleles in individuals of European (Non-Finnish) descent in gnomAD. At this time, the clinical significance of this variant is uncertain due to the absence of conclusive functional and genetic evidence.

Literature cited by the submitters: PubMed 39285472 (cited by Women's Health and Genetics/Laboratory Corporation of America, LabCorp).